The following is an entry in ClinVar:

ClinVar aggregate classification (germline): Uncertain significance. Review status: criteria provided, multiple submitters, no conflicts (2 of 4 stars). 3 submissions from 3 submitters: Uncertain significance (3). Last evaluated 2025-11-21.

Conditions:
Von Hippel-Lindau syndrome (VHLS). Also called: VHL syndrome; von Hippel–Lindau syndrome; Von Hippel-Lindau. Identifiers: Orphanet 892, MedGen C0019562, MONDO:0008667, OMIM 193300. Disease mechanism: loss of function.
Chuvash polycythemia. Also called: POLYCYTHEMIA, VHL-DEPENDENT. Identifiers: Orphanet 238557, MedGen C1837915, MONDO:0009892, OMIM 263400.
Hereditary cancer-predisposing syndrome. Also called: Neoplastic Syndromes, Hereditary; Hereditary Cancer Syndrome; Tumor predisposition; Hereditary neoplastic syndrome. Identifiers: Orphanet 140162, MedGen C0027672, MeSH D009386, MONDO:0015356.

Allele frequency attached by ClinVar (database versions not stated): TOPMed below 0.00001.

Submissions (3):

Labcorp Genetics (formerly Invitae), Labcorp
Classification: Uncertain significance for Von Hippel-Lindau syndrome; Chuvash polycythemia. Last evaluated: 2025-11-21. Review status: criteria provided, single submitter. Criteria: Invitae Variant Classification Sherloc (09022015). Collection method: clinical testing. Allele origin: germline.
Comment: This sequence change replaces cysteine, which is neutral and slightly polar, with arginine, which is basic and polar, at codon 77 of the VHL protein (p.Cys77Arg). This variant is not present in population databases (gnomAD no frequency). This variant has not been reported in the literature in individuals affected with VHL-related conditions. ClinVar contains an entry for this variant (Variation ID: 1508928). Invitae Evidence Modeling of protein sequence and biophysical properties (such as structural, functional, and spatial information, amino acid conservation, physicochemical variation, residue mobility, and thermodynamic stability) indicates that this missense variant is expected to disrupt VHL protein function with a positive predictive value of 95%. In summary, the available evidence is currently insufficient to determine the role of this variant in disease. Therefore, it has been classified as a Variant of Uncertain Significance.

Ambry Genetics
Classification: Uncertain significance for Hereditary cancer-predisposing syndrome. Last evaluated: 2024-12-04. Review status: criteria provided, single submitter. Criteria: Ambry Variant Classification Scheme 2023. Collection method: clinical testing. Allele origin: germline.
Comment: The p.C77R variant (also known as c.229T>C), located in coding exon 1 of the VHL gene, results from a T to C substitution at nucleotide position 229. The cysteine at codon 77 is replaced by arginine, an amino acid with highly dissimilar properties. In a saturation genome editing assay, this variant was reported as functionally neutral (Buckley M et al. Nat Genet, 2024 Jul;56:1446-1455). This amino acid position is well conserved in available vertebrate species. In addition, this alteration is predicted to be deleterious by in silico analysis. Based on the available evidence, the clinical significance of this variant remains unclear.

Baylor Genetics
Classification: Uncertain significance for Chuvash polycythemia. Last evaluated: 2023-11-30. Review status: criteria provided, single submitter. Criteria: ACMG Guidelines, 2015. Collection method: clinical testing. Allele origin: unknown.

Literature cited by the submitters: PubMed 38969834 (cited by Ambry Genetics).

NM_000551.4(VHL):c.229T>C (p.Cys77Arg)

Gene: VHL (von Hippel-Lindau tumor suppressor; plus strand). Cytogenetic location: 3p25.3.
Variant type: single nucleotide variant.
Coding change: c.229T>C on transcript NM_000551.4 (MANE Select); coding-DNA position 229, T replaced by C.
Protein change: p.Cys77Arg; replaces cysteine 77 with arginine.
Molecular consequence: missense variant.
Genome position (GRCh38, 1-based): chr3:10,142,076, T>C. VCF-style: chr3-10142076-T-C. GRCh37 (hg19) VCF-style: chr3-10183760-T-C.
Other names: c.229T>C, p.Cys77Arg (NM_001354723.2, NM_198156.3); c.229T>C (NM_000551.3); short protein forms C77R.
Identifiers: ClinVar variation 1508928 (VCV001508928.10), dbSNP rs1269136170, ClinGen allele CA351749267.